The following is an entry in ClinVar:

ClinVar aggregate classification (germline): Pathogenic (1 of 4 stars; one submission).

Conditions:
Familial hemophagocytic lymphohistiocytosis 3 (FHL3). Also called: UNC13D-Related Familial Hemophagocytic Lymphohistiocytosis (UNC13D-fHLH). Identifiers: Orphanet 540, MedGen C1837174, MONDO:0012146, OMIM 608898.

Submission:

Labcorp Genetics (formerly Invitae), Labcorp
Classification: Pathogenic for Familial hemophagocytic lymphohistiocytosis 3. Last evaluated: 2023-12-17. Review status: criteria provided, single submitter. Criteria: Invitae Variant Classification Sherloc (09022015). Collection method: clinical testing. Allele origin: germline.
Comment: This sequence change creates a premature translational stop signal (p.Ser420Cysfs*45) in the UNC13D gene. It is expected to result in an absent or disrupted protein product. Loss-of-function variants in UNC13D are known to be pathogenic (PMID: 14622600). This variant is not present in population databases (gnomAD no frequency). This variant has not been reported in the literature in individuals affected with UNC13D-related conditions. For these reasons, this variant has been classified as Pathogenic.

Literature cited by the submitters: PubMed 14622600.

NM_199242.3(UNC13D):c.1246_1258dup (p.Ser420fs)

Gene: UNC13D (unc-13 homolog D; minus strand). Cytogenetic location: 17q25.1.
Variant type: Duplication.
Coding change: c.1246_1258dup on transcript NM_199242.3 (MANE Select); coding-DNA positions 1246 to 1258, 13 bases duplicated (GTCTTCCCCCTCT).
Protein change: p.Ser420fs; shifts the reading frame from serine 420.
Molecular consequence: frameshift variant.
Genome position (GRCh38, 1-based): chr17:75,836,612-75,836,624, AGAGGGGGAAGAC duplicated on the plus strand (GTCTTCCCCCTCT on the coding strand, the reverse complement: UNC13D is on the minus strand); duplicating any 13 consecutive bases within chr17:75,836,612-75,836,628 gives the same sequence; the c. name uses the placement nearest the transcript's 3' end. VCF-style (leftmost placement, unchanged base first): chr17-75836611-G-GAGAGGGGGAAGAC. GRCh37 (hg19) VCF-style: chr17-73832692-G-GAGAGGGGGAAGAC.
Other names: short protein forms S420fs.
Identifiers: ClinVar variation 2804734 (VCV002804734.3), dbSNP rs2545982718, ClinGen allele CA2639897890.
Genomic context (GRCh38, chr17:75,836,611, plus strand): 5'-AAGAGGAAGGCAGCCACTGACCTGAGAAGAGACTGCAGCCGGGCTGGGGAGTCCGAGACA[G>GAGAGGGGGAAGAC]AGAGGGGGAAGACAGAGCGGAACCTCCGGATGAGGGAGAGGCCGTAGGTCAGCAGGGAGC-3'